The following is an entry in ClinVar:

ClinVar aggregate classification (germline): Benign/Likely benign. Review status: criteria provided, multiple submitters, no conflicts (2 of 4 stars). 3 submissions from 3 submitters: Benign (1); Likely benign (2). Last evaluated 2025-02-19.

Conditions:
Hereditary cancer-predisposing syndrome. Also called: Tumor predisposition; Hereditary neoplastic syndrome; Hereditary Cancer Syndrome; Neoplastic Syndromes, Hereditary. Identifiers: Orphanet 140162, MedGen C0027672, MeSH D009386, MONDO:0015356.
Breast-ovarian cancer, familial, susceptibility to, 4. Identifiers: Orphanet 145, MedGen C3280345, MONDO:0013669, OMIM 614291.

gnomAD v4.1: 1 of 1,612,686 alleles (0.000062%); highest among the groups gnomAD compares: Non-Finnish European, 0.000085%; no homozygotes.

Submissions (3):

Myriad Genetics, Inc.
Classification: Benign for Breast-ovarian cancer, familial, susceptibility to, 4. Last evaluated: 2025-02-19. Review status: criteria provided, single submitter. Criteria: Myriad Autosomal Dominant, Autosomal Recessive and X-Linked Classification Criteria (2023). Collection method: clinical testing. Allele origin: unknown.
Comment: This variant is considered benign. This variant is a silent/synonymous amino acid change and it is not expected to impact splicing.

Color Diagnostics, LLC DBA Color Health
Classification: Likely benign for Hereditary cancer-predisposing syndrome. Last evaluated: 2020-08-03. Review status: criteria provided, single submitter. Criteria: ACMG Guidelines, 2015. Collection method: clinical testing. Allele origin: germline.

Ambry Genetics
Classification: Likely benign for Hereditary cancer-predisposing syndrome. Last evaluated: 2019-10-06. Review status: criteria provided, single submitter. Criteria: Ambry Variant Classification Scheme 2023. Collection method: clinical testing. Allele origin: germline.

NM_002878.4(RAD51D):c.36T>A (p.Leu12=)

Genes: RAD51L3-RFFL (RAD51L3-RFFL readthrough; minus strand), RAD51D (RAD51 paralog D; minus strand). Cytogenetic location: 17q12.
Variant type: single nucleotide variant.
Coding change: c.36T>A on transcript NM_002878.4 (MANE Select); coding-DNA position 36, T replaced by A.
Protein change: p.Leu12=; no amino-acid change (leucine 12 retained).
Molecular consequence: synonymous variant. On other transcripts: non-coding transcript variant (2).
Genome position (GRCh38, 1-based): chr17:35,119,578, A>T on the plus strand (T>A on the coding strand, the complement: RAD51D is on the minus strand). VCF-style: chr17-35119578-A-T. GRCh37 (hg19) VCF-style: chr17-33446597-A-T.
Other names: c.36T>A, p.Leu12= (NM_001142571.2, NM_133629.3).
Identifiers: ClinVar variation 1171087 (VCV001171087.5), dbSNP rs1256721417, ClinGen allele CA499732523.